The following is an entry in ClinVar:

NM_080424.4(SP110):c.518C>T (p.Ser173Leu)

Genes: SP110 (SP110 nuclear body protein; minus strand), SP140 (SP140 nuclear body protein; plus strand). Cytogenetic location: 2q37.1.
Variant type: single nucleotide variant.
Coding change: c.518C>T on transcript NM_080424.4 (MANE Select); coding-DNA position 518, C replaced by T.
Protein change: p.Ser173Leu; replaces serine 173 with leucine.
Molecular consequence: missense variant.
Genome position (GRCh38, 1-based): chr2:230,212,826, G>A on the plus strand (C>T on the coding strand, the complement: SP110 is on the minus strand). VCF-style: chr2-230212826-G-A. GRCh37 (hg19) VCF-style: chr2-231077541-G-A.
Other names: c.518C>T, p.Ser173Leu (NM_004509.5, NM_004510.4, NM_001378443.1 and 1 more transcripts); c.536C>T, p.Ser179Leu (NM_001185015.2, NM_001378442.1, NM_001378444.1 and 2 more transcripts); short protein forms S179L, S173L.
Identifiers: ClinVar variation 657671 (VCV000657671.10), dbSNP rs41552315, ClinGen allele CA2154814.

ClinVar aggregate classification (germline): Uncertain significance. Review status: criteria provided, multiple submitters, no conflicts (2 of 4 stars). 2 submissions from 2 submitters: Uncertain significance (2). Last evaluated 2025-06-07.

Conditions:
Hepatic veno-occlusive disease-immunodeficiency syndrome. Also called: Hepatic Veno-Occlusive Disease with Immunodeficiency. Identifiers: Orphanet 79124, MedGen C1856128, MONDO:0009338, OMIM 235550. Disease mechanism: loss of function.
Inborn genetic diseases. Identifiers: MedGen C0950123, MeSH D030342.

Allele frequency attached by ClinVar (database versions not stated): TOPMed below 0.00001; gnomAD 0.00001 and 0.00002; gnomAD exomes 0.00001; ExAC 0.00002.
gnomAD v4.1: 36 of 1,614,060 alleles (0.0022%); highest among the groups gnomAD compares: African/African-American, 0.017%; no homozygotes.

Submissions (2):

Ambry Genetics
Classification: Uncertain significance for Inborn genetic diseases. Last evaluated: 2025-06-07. Review status: criteria provided, single submitter. Criteria: Ambry Variant Classification Scheme 2023. Collection method: clinical testing. Allele origin: germline.

Labcorp Genetics (formerly Invitae), Labcorp
Classification: Uncertain significance for Hepatic veno-occlusive disease-immunodeficiency syndrome. Last evaluated: 2024-12-16. Review status: criteria provided, single submitter. Criteria: Invitae Variant Classification Sherloc (09022015). Collection method: clinical testing. Allele origin: germline.
Comment: This sequence change replaces serine, which is neutral and polar, with leucine, which is neutral and non-polar, at codon 173 of the SP110 protein (p.Ser173Leu). This variant is present in population databases (rs41552315, gnomAD 0.007%). This variant has not been reported in the literature in individuals affected with SP110-related conditions. ClinVar contains an entry for this variant (Variation ID: 657671). An algorithm developed to predict the effect of missense changes on protein structure and function outputs the following: PolyPhen-2: "Benign". The leucine amino acid residue is found in multiple mammalian species, which suggests that this missense change does not adversely affect protein function. In summary, the available evidence is currently insufficient to determine the role of this variant in disease. Therefore, it has been classified as a Variant of Uncertain Significance.